The following is an entry in ClinVar:

ClinVar aggregate classification (germline): Conflicting classifications of pathogenicity. Review status: criteria provided, conflicting classifications (1 of 4 stars). 2 submissions from 2 submitters: Uncertain significance (1); Benign (1). Last evaluated 2026-03-23.

Conditions:
Adams-Oliver syndrome 5 (AOS5). Identifiers: Orphanet 974, MedGen C4014970, MONDO:0014459, OMIM 616028.

Allele frequency attached by ClinVar (database versions not stated): ExAC 0.00002; TOPMed 0.00006; gnomAD 0.00009; 1000 Genomes Project 30x 0.00016; 1000 Genomes Project 0.00020.
gnomAD v4.1: 20 of 1,601,126 alleles (0.0012%); highest among the groups gnomAD compares: African/African-American, 0.024%; no homozygotes.

Submissions (2):

Women's Health and Genetics/Laboratory Corporation of America, LabCorp
Classification: Uncertain significance. Last evaluated: 2026-03-23. Review status: criteria provided, single submitter. Criteria: LabCorp Variant Classification Summary - May 2015. Collection method: clinical testing. Allele origin: germline.
Comment: Variant summary: NOTCH1 c.4183A>G (p.Asn1395Asp) results in a conservative amino acid change in the encoded protein sequence. Algorithms developed to predict the effect of missense changes on protein structure and function are either unavailable or do not agree on the potential impact of this missense change. The variant allele was found at a frequency of 1.7e-05 in 235800 control chromosomes (gnomAD). The available data on variant occurrences in the general population are insufficient to allow any conclusion about variant significance. c.4183A>G has been observed in one individual affected with clinical features of hereditary thoracic aortic disease (Overwater_2018). The report does not provide unequivocal conclusions about association of the variant with Adams-Oliver Syndrome 5. To our knowledge, no experimental evidence demonstrating an impact on protein function has been reported. The following publication have been ascertained in the context of this evaluation (PMID: 29907982). ClinVar contains an entry for this variant (Variation ID: 1929793). Based on the evidence outlined above, the variant was classified as uncertain significance.

Labcorp Genetics (formerly Invitae), Labcorp
Classification: Benign for Adams-Oliver syndrome 5. Last evaluated: 2024-03-03. Review status: criteria provided, single submitter. Criteria: Invitae Variant Classification Sherloc (09022015). Collection method: clinical testing. Allele origin: germline.

Literature cited by the submitters: PubMed 29907982 (cited by Women's Health and Genetics/Laboratory Corporation of America, LabCorp).

NM_017617.5(NOTCH1):c.4183A>G (p.Asn1395Asp)

Gene: NOTCH1 (notch receptor 1; minus strand). Cytogenetic location: 9q34.3.
Variant type: single nucleotide variant.
Coding change: c.4183A>G on transcript NM_017617.5 (MANE Select); coding-DNA position 4183, A replaced by G.
Protein change: p.Asn1395Asp; replaces asparagine 1395 with aspartic acid.
Molecular consequence: missense variant.
Genome position (GRCh38, 1-based): chr9:136,505,713, T>C on the plus strand (A>G on the coding strand, the complement: NOTCH1 is on the minus strand). VCF-style: chr9-136505713-T-C. GRCh37 (hg19) VCF-style: chr9-139400165-T-C.
Other names: short protein forms N1395D.
Identifiers: ClinVar variation 1929793 (VCV001929793.6), dbSNP rs533363434, ClinGen allele CA5340668.